The following continues an entry in ClinVar:

NM_007294.4(BRCA1):c.2447A>G (p.His816Arg)

Gene: BRCA1. ClinVar aggregate classification (germline): Conflicting classifications of pathogenicity. Uncertain significance (4); Benign (3); Likely benign (6).

Submissions 9 to 18 of 18:

Broad Center for Mendelian Genomics, Broad Institute of MIT and Harvard
Classification: Uncertain significance. Last evaluated: 2020-01-22. Review status: criteria provided, single submitter. Criteria: ACMG Guidelines, 2015. Collection method: curation. Allele origin: germline.
Comment: Although this variant has been seen in the general population, its frequency is low enough to be consistent with a dominant frequency for a disease also present in the general population. Please note that for diseases with clinical variability, or reduced penetrance, pathogenic variants may be present at a low frequency in the general population. This variant has also been reported as a VUS, likely benign, and benign variant in ClinVar (Variation ID: 37470). Computational prediction tools and conservation analyses do not provide strong support for or against an impact to the protein. The Histidine (His) at position 816 is not highly conserved in mammals and evolutionary distant species, and 3 species (rabbit, bat, shrew) carry an Arginine (Arg), raising the possibility that this change at this position may be tolerated. One additional variant, resulting in a different amino acid change at the same position, p.His816Leu, has been reported as a VUS in association with disease in ClinVar (Variation ID: 496357). In summary, the clinical significance of the p.His816Arg variant is uncertain. ACMG/AMP Criteria applied: PM2, PS4_Supporting (Richards 2015).

GeneDx
Classification: Likely benign. Last evaluated: 2018-07-06. Review status: criteria provided, single submitter. Criteria: GeneDx Variant Classification Process June 2021. Collection method: clinical testing. Allele origin: germline. Affected: yes.
Comment: This variant is associated with the following publications: (PMID: 10882858, 21156238, 15235020, 16267036, 15385441, 25682074)

Color Diagnostics, LLC DBA Color Health
Classification: Benign for Hereditary cancer-predisposing syndrome. Last evaluated: 2016-12-02. Review status: criteria provided, single submitter. Criteria: ACMG Guidelines, 2015. Collection method: clinical testing. Allele origin: germline.

Molecular Genetics Laboratory, University of Michigan
Classification: Likely benign for Breast-ovarian cancer, familial, susceptibility to, 1. Last evaluated: 2016-04-21. Review status: criteria provided, single submitter. Criteria: ACMG Guidelines, 2015. Collection method: clinical testing. Allele origin: germline. Affected: yes.

Ambry Genetics
Classification: Benign for Hereditary cancer-predisposing syndrome. Last evaluated: 2014-07-29. Review status: criteria provided, single submitter. Criteria: Ambry Variant Classification Scheme 2023. Collection method: clinical testing. Allele origin: germline.

True Health Diagnostics
Classification: Likely benign for Hereditary cancer-predisposing syndrome. Last evaluated: 2017-12-08. Review status: no assertion criteria provided. Collection method: clinical testing. Allele origin: germline. Not counted in ClinVar's aggregate classification.

Counsyl
Classification: Uncertain significance for Breast-ovarian cancer, familial, susceptibility to, 1. Last evaluated: 2016-07-06. Review status: no assertion criteria provided. Collection method: clinical testing. Allele origin: unknown. Not counted in ClinVar's aggregate classification.

Sharing Clinical Reports Project (SCRP)
Classification: Benign for Breast-ovarian cancer, familial 1. Last evaluated: 2009-11-12. Review status: no assertion criteria provided. Collection method: clinical testing. Allele origin: germline. Not counted in ClinVar's aggregate classification.

Breast Cancer Information Core (BIC) (BRCA1)
Classification: Uncertain significance for Breast-ovarian cancer, familial 1. Last evaluated: 1999-04-12. Review status: no assertion criteria provided. Collection method: clinical testing. Allele origin: germline. Affected: yes. Observed: 3 variant alleles. Not counted in ClinVar's aggregate classification.

Department of Pathology and Laboratory Medicine, Sinai Health System
Classification: Uncertain significance. Review status: no assertion criteria provided. Collection method: clinical testing. Allele origin: unknown. Affected: yes. Study: The Canadian Open Genetics Repository (COGR). Not counted in ClinVar's aggregate classification.
Comment: The BRCA1 p.His816Arg variant was identified in the literature but the frequency in an affected population was not provided (Abkevich 2004). The variant was also identified in dbSNP (ID: rs80357108) as "With Uncertain significance, other allele", ClinVar (classified as benign by Ambry Genetics and Sharing Clinical Reports Project; as likely benign by Invitae, GeneDx and two other submitters; and as uncertain significance by three submitters), and in LOVD 3.0 (2x). The variant was not identified in UMD-LSDB. The variant was identified in 6 of 245404 chromosomes at a frequency of 0.00002 (Genome Aggregation Database Feb 27, 2017). The variant was observed in the following populations: African in 1 of 15298 chromosomes (freq: 0.00007) and European in 5 of 111174 chromosomes (freq: 0.00005), but not in the Other, Latino, Ashkenazi Jewish, East Asian, Finnish, or South Asian populations. The p.His816 residue is not conserved in mammals and 5 of 5 computational analyses (PolyPhen-2, SIFT, AlignGVGD, BLOSUM, MutationTaster) do not suggest a high likelihood of impact to the protein; however, this information is not predictive enough to rule out pathogenicity. The variant occurs outside of the splicing consensus sequence and in silico or computational prediction software programs (SpliceSiteFinder, MaxEntScan, NNSPLICE, GeneSplicer) do not predict a difference in splicing. In summary, based on the above information the clinical significance of this variant cannot be determined with certainty at this time. This variant is classified as a variant of uncertain significance.

Literature cited by the submitters: PubMed 16267036 (cited by Women's Health and Genetics/Laboratory Corporation of America, LabCorp and Counsyl); PubMed 15385441 (cited by Women's Health and Genetics/Laboratory Corporation of America, LabCorp and Counsyl); PubMed 15235020 (cited by 3 submitters); PubMed 12531920 (cited by Women's Health and Genetics/Laboratory Corporation of America, LabCorp); PubMed 15001988 (cited by Women's Health and Genetics/Laboratory Corporation of America, LabCorp); PubMed 10882858 (cited by 4 submitters); PubMed 21156238 (cited by 4 submitters); PubMed 25682074 (cited by 3 submitters); PubMed 31112341 (cited by Women's Health and Genetics/Laboratory Corporation of America, LabCorp); PubMed 31294896 (cited by Women's Health and Genetics/Laboratory Corporation of America, LabCorp); PubMed 31897316 (cited by Women's Health and Genetics/Laboratory Corporation of America, LabCorp); PubMed 33471991 (cited by Women's Health and Genetics/Laboratory Corporation of America, LabCorp and Sema4); PubMed 34178674 (cited by Women's Health and Genetics/Laboratory Corporation of America, LabCorp).